The following is an entry in ClinVar:

NM_032043.3(BRIP1):c.2687T>G (p.Ile896Arg)

Gene: BRIP1 (BRCA1 interacting DNA helicase 1; minus strand). Cytogenetic location: 17q23.2.
Variant type: single nucleotide variant.
Coding change: c.2687T>G on transcript NM_032043.3 (MANE Select); coding-DNA position 2687, T replaced by G.
Protein change: p.Ile896Arg; replaces isoleucine 896 with arginine.
Molecular consequence: missense variant.
Genome position (GRCh38, 1-based): chr17:61,686,054, A>C on the plus strand (T>G on the coding strand, the complement: BRIP1 is on the minus strand). VCF-style: chr17-61686054-A-C. GRCh37 (hg19) VCF-style: chr17-59763415-A-C.
Other names: short protein forms I896R.
Identifiers: ClinVar variation 5033412 (VCV005033412.1).

ClinVar aggregate classification (germline): Uncertain significance (1 of 4 stars; one submission).

Conditions:
Hereditary cancer-predisposing syndrome. Also called: Neoplastic Syndromes, Hereditary; Tumor predisposition; Hereditary neoplastic syndrome; Hereditary Cancer Syndrome. Identifiers: Orphanet 140162, MedGen C0027672, MeSH D009386, MONDO:0015356.

Submission:

Ambry Genetics
Classification: Uncertain significance for Hereditary cancer-predisposing syndrome. Last evaluated: 2026-07-07. Review status: criteria provided, single submitter. Criteria: Ambry Variant Classification Scheme 2023. Collection method: clinical testing. Allele origin: germline.
Comment: The p.I896R variant (also known as c.2687T>G), located in coding exon 18 of the BRIP1 gene, results from a T to G substitution at nucleotide position 2687. The isoleucine at codon 896 is replaced by arginine, an amino acid with similar properties. This amino acid position is conserved. In addition, this alteration is predicted to be tolerated by in silico analysis. Based on the available evidence, the clinical significance of this variant remains unclear.